The following is an entry in ClinVar:

ClinVar aggregate classification (germline): Pathogenic (1 of 4 stars; one submission).

Conditions:
Joubert syndrome. Also called: CEREBELLOPARENCHYMAL DISORDER IV; JOUBERT-BOLTSHAUSER SYNDROME; Familial aplasia of the vermis. Identifiers: Orphanet 475, MedGen C5979921, MONDO:0018772.

Submission:

Labcorp Genetics (formerly Invitae), Labcorp
Classification: Pathogenic for Joubert syndrome. Last evaluated: 2024-02-11. Review status: criteria provided, single submitter. Criteria: Invitae Variant Classification Sherloc (09022015). Collection method: clinical testing. Allele origin: germline.
Comment: This sequence change creates a premature translational stop signal (p.Ser389Hisfs*16) in the AHI1 gene. It is expected to result in an absent or disrupted protein product. Loss-of-function variants in AHI1 are known to be pathogenic (PMID: 15322546, 16453322, 28442542, 29186038). This variant is not present in population databases (gnomAD no frequency). This variant has not been reported in the literature in individuals affected with AHI1-related conditions. For these reasons, this variant has been classified as Pathogenic.

Literature cited by the submitters: PubMed 15322546; PubMed 16453322; PubMed 28442542; PubMed 29186038.

NM_001134831.2(AHI1):c.1165del (p.Ser389fs)

Gene: AHI1 (Abelson helper integration site 1; minus strand). Cytogenetic location: 6q23.3.
Variant type: Deletion.
Coding change: c.1165del on transcript NM_001134831.2 (MANE Select); coding-DNA position 1165, one base deleted (T; older notation c.1165delT).
Protein change: p.Ser389fs; shifts the reading frame from serine 389.
Molecular consequence: frameshift variant.
Genome position (GRCh38, 1-based): chr6:135,455,913, A deleted on the plus strand (T on the coding strand, the reverse complement: AHI1 is on the minus strand); the first of 3 consecutive A bases (chr6:135,455,913-135,455,915); deleting any one gives the same sequence. VCF-style (leftmost placement, unchanged base first): chr6-135455912-GA-G. GRCh37 (hg19) VCF-style: chr6-135777050-GA-G.
Other names: c.1165del, p.Ser389fs (NM_001134830.2, NM_001134832.2, NM_001350503.2 and 2 more transcripts); short protein forms S389fs.
Identifiers: ClinVar variation 3640190 (VCV003640190.2).
Genomic context (GRCh38, chr6:135,455,912, plus strand): 5'-TCATATGGCTGGGTCATAATAGGAAGAATATAATCCACATTCTCTTTTTCATAGTAAGAT[GA>G]AACAGGCCGTCCACTGTACAAAAAAAGATACTTCCATTAACACAATTTTCATAATTTTGA-3'